The following is an entry in ClinVar:

NM_001171.6(ABCC6):c.2166G>A (p.Leu722=)

Gene: ABCC6 (ATP binding cassette subfamily C member 6; minus strand). Cytogenetic location: 16p13.11.
Variant type: single nucleotide variant.
Coding change: c.2166G>A on transcript NM_001171.6 (MANE Select); coding-DNA position 2166, G replaced by A.
Protein change: p.Leu722=; no amino-acid change (leucine 722 retained).
Molecular consequence: synonymous variant. On other transcripts: non-coding transcript variant (1).
Genome position (GRCh38, 1-based): chr16:16,182,493, C>T on the plus strand (G>A on the coding strand, the complement: ABCC6 is on the minus strand). VCF-style: chr16-16182493-C-T. GRCh37 (hg19) VCF-style: chr16-16276350-C-T.
Other names: c.2166G>A (NM_001171.5); c.1824G>A, p.Leu608= (NM_001351800.1).
Identifiers: ClinVar variation 1983513 (VCV001983513.6), dbSNP rs201193229, ClinGen allele CA7925998.
Genomic context (GRCh38, chr16:16,182,493, plus strand): 5'-GATTCCCTCAGGGAAGCTGTCCACATCTGGCTGCAGGGCACAGGCTTCTAGTACTCTCTC[C>T]AGCCAGGGTGGGTCCAGCTCCTGCCCGAAGCACACATTCTCTACCACAGAGGTGTTCTGC-3'
Protein context (NP_001162.5, residues 712-732): CFGQELDPPW[Leu722=]ERVLEACALQ

ClinVar aggregate classification (germline): Likely benign. Review status: criteria provided, multiple submitters, no conflicts (2 of 4 stars). 3 submissions from 3 submitters: Likely benign (3). Last evaluated 2025-08-28.

Conditions:
ABCC6-related disorder. Also called: ABCC6-related condition.

Allele frequency attached by ClinVar (database versions not stated): gnomAD 0.00001; gnomAD exomes 0.00001; TOPMed 0.00003; ExAC 0.00006; 1000 Genomes Project 30x 0.00016; 1000 Genomes Project 0.00020.
gnomAD v4.1: 22 of 1,614,208 alleles (0.0014%); highest among the groups gnomAD compares: East Asian, 0.036%; no homozygotes.

Submissions (3):

PreventionGenetics, part of Exact Sciences
Classification: Likely benign for ABCC6-related condition. Last evaluated: 2025-08-28. Review status: criteria provided, single submitter. Criteria: ACMG Guidelines, 2015. Collection method: clinical testing. Allele origin: germline.
Comment: This variant is classified as likely benign based on ACMG/AMP sequence variant interpretation guidelines (Richards et al. 2015 PMID: 25741868, with internal and published modifications).

Labcorp Genetics (formerly Invitae), Labcorp
Classification: Likely benign. Last evaluated: 2023-04-18. Review status: criteria provided, single submitter. Criteria: Invitae Variant Classification Sherloc (09022015). Collection method: clinical testing. Allele origin: germline.

Blueprint Genetics
Classification: Likely benign. Last evaluated: 2022-02-15. Review status: criteria provided, single submitter. Criteria: ACMG Guidelines, 2015. Collection method: clinical testing. Allele origin: germline.